The following is an entry in ClinVar:

ClinVar aggregate classification (germline): Uncertain significance. Review status: criteria provided, multiple submitters, no conflicts (2 of 4 stars). 4 submissions from 4 submitters: Uncertain significance (4). Last evaluated 2025-04-17.

Conditions:
Spermatogenic failure 50. Also called: Spermatogenic failures 50. Identifiers: MedGen C5436888, MONDO:0030869, OMIM 619145.
Premature ovarian failure 17. Identifiers: MedGen C5436889, MONDO:0030870, OMIM 619146.
Fanconi anemia complementation group U. Identifiers: MedGen C4310651, MONDO:0014987, OMIM 617247.
Hereditary cancer-predisposing syndrome. Also called: Hereditary neoplastic syndrome; Neoplastic Syndromes, Hereditary; Hereditary Cancer Syndrome; Tumor predisposition. Identifiers: Orphanet 140162, MedGen C0027672, MeSH D009386, MONDO:0015356.

Allele frequency attached by ClinVar (database versions not stated): ExAC 0.00002; gnomAD 0.00002; gnomAD exomes 0.00003 and 0.00005; TOPMed 0.00003.
gnomAD v4.1: 79 of 1,614,008 alleles (0.0049%); highest among the groups gnomAD compares: Non-Finnish European, 0.0066%; no homozygotes.

Submissions (4):

Labcorp Genetics (formerly Invitae), Labcorp
Classification: Uncertain significance. Last evaluated: 2025-04-17. Review status: criteria provided, single submitter. Criteria: Invitae Variant Classification Sherloc (09022015). Collection method: clinical testing. Allele origin: germline.
Comment: This sequence change replaces tyrosine, which is neutral and polar, with histidine, which is basic and polar, at codon 223 of the XRCC2 protein (p.Tyr223His). This variant is present in population databases (rs587780130, gnomAD 0.006%). This variant has not been reported in the literature in individuals affected with XRCC2-related conditions. ClinVar contains an entry for this variant (Variation ID: 127962). Invitae Evidence Modeling of protein sequence and biophysical properties (such as structural, functional, and spatial information, amino acid conservation, physicochemical variation, residue mobility, and thermodynamic stability) indicates that this missense variant is not expected to disrupt XRCC2 protein function with a negative predictive value of 80%. In summary, the available evidence is currently insufficient to determine the role of this variant in disease. Therefore, it has been classified as a Variant of Uncertain Significance.

GeneDx
Classification: Uncertain significance. Last evaluated: 2024-12-19. Review status: criteria provided, single submitter. Criteria: GeneDx Variant Classification Process June 2021. Collection method: clinical testing. Allele origin: germline. Affected: yes.
Comment: In silico analysis indicates that this missense variant does not alter protein structure/function; Has not been previously reported as pathogenic or benign to our knowledge; Variants in candidate genes are classified as variants of uncertain significance in accordance with ACMG guidelines (Richards et al., 2015); This variant is associated with the following publications: (PMID: 28779002)

Ambry Genetics
Classification: Uncertain significance for Hereditary cancer-predisposing syndrome. Last evaluated: 2024-05-05. Review status: criteria provided, single submitter. Criteria: Ambry Variant Classification Scheme 2023. Collection method: clinical testing. Allele origin: germline.
Comment: The p.Y223H variant (also known as c.667T>C), located in coding exon 3 of the XRCC2 gene, results from a T to C substitution at nucleotide position 667. The tyrosine at codon 223 is replaced by histidine, an amino acid with similar properties. This alteration has been reported in at least one breast cancer patient in a study of 13087 breast cancer cases and 5488 control individuals in the UK (Decker B et al. J Med Genet, 2017 11;54:732-741). This amino acid position is well conserved in available vertebrate species. In addition, this alteration is predicted to be tolerated by in silico analysis. Since supporting evidence is limited at this time, the clinical significance of this alteration remains unclear.

Fulgent Genetics
Classification: Uncertain significance for Fanconi anemia complementation group U; Spermatogenic failure 50; Premature ovarian failure 17. Last evaluated: 2024-01-19. Review status: criteria provided, single submitter. Criteria: ACMG Guidelines, 2015. Collection method: clinical testing. Allele origin: germline.

Literature cited by the submitters: PubMed 28779002 (cited by Ambry Genetics).

NM_005431.2(XRCC2):c.667T>C (p.Tyr223His)

Gene: XRCC2 (X-ray repair cross complementing 2; minus strand). Cytogenetic location: 7q36.1.
Variant type: single nucleotide variant.
Coding change: c.667T>C on transcript NM_005431.2 (MANE Select); coding-DNA position 667, T replaced by C.
Protein change: p.Tyr223His; replaces tyrosine 223 with histidine.
Molecular consequence: missense variant.
Genome position (GRCh38, 1-based): chr7:152,648,818, A>G on the plus strand (T>C on the coding strand, the complement: XRCC2 is on the minus strand). VCF-style: chr7-152648818-A-G. GRCh37 (hg19) VCF-style: chr7-152345903-A-G.
Other names: p.Y223H:TAC>CAC; short protein forms Y223H.
Identifiers: ClinVar variation 127962 (VCV000127962.18), dbSNP rs587780130, ClinGen allele CA288145.
Genomic context (GRCh38, chr7:152,648,818, plus strand): 5'-TGGAGAAAAACATCCTGTGCTTCACCAGTTGCTGCCATGCCTTACAGAGATAAGGTCTGT[A>G]GTCTATGTCCACATCACACAGTCGTCGAGAGGCATGAGAAGGTTCTTCTGATGAGCTCGA-3'
Protein context (NP_005422.1, residues 213-233): SRRLCDVDID[Tyr223His]RPYLCKAWQQ